The following is an entry in ClinVar:

NM_000152.5(GAA):c.1602dup (p.Asn535fs)

Gene: GAA (alpha glucosidase; plus strand). Cytogenetic location: 17q25.3.
Variant type: Duplication.
Coding change: c.1602dup on transcript NM_000152.5 (MANE Select); coding-DNA position 1602, one base duplicated (C; older notation c.1602dupC).
Protein change: p.Asn535fs; shifts the reading frame from asparagine 535.
Molecular consequence: frameshift variant.
Genome position (GRCh38, 1-based): chr17:80,110,991, C duplicated; the last of 4 consecutive C bases (chr17:80,110,988-80,110,991); duplicating any one gives the same sequence. VCF-style (leftmost placement, unchanged base first): chr17-80110987-G-GC. GRCh37 (hg19) VCF-style: chr17-78084786-G-GC.
Other names: c.1602dup, p.Asn535fs (NM_001079803.3, NM_001079804.3, NM_001406741.1 and 1 more transcripts); short protein forms N535fs.
Identifiers: ClinVar variation 5005850 (VCV005005850.2).
Genomic context (GRCh38, chr17:80,110,987, plus strand): 5'-CGCTTCTCTTGCAGGACATGAACGAGCCTTCCAACTTCATCAGGGGCTCTGAGGACGGCT[G>GC]CCCCAACAATGAGCTGGAGAACCCACCCTACGTGCCTGGTCAGCTCGCCCCCCACCTACC-3'

ClinVar aggregate classification (germline): Likely pathogenic (1 of 4 stars; one submission).

Conditions:
Glycogen storage disease, type II (IOPD). Also called: CARDIOMEGALIA GLYCOGENICA DIFFUSA; Glucosidase acid-1,4-alpha deficiency; POMPE DISEASE, INFANTILE-ONSET; GLYCOGEN STORAGE DISEASE II, INFANTILE-ONSET; ACID ALPHA-GLUCOSIDASE DEFICIENCY, INFANTILE-ONSET; GAA DEFICIENCY, INFANTILE-ONSET. Identifiers: Orphanet 365, MedGen C0017921, MONDO:0009290, OMIM 232300.

Submission:

Juno Genomics, Hangzhou Juno Genomics, Inc
Classification: Likely pathogenic for Glycogen storage disease, type II. Review status: criteria provided, single submitter. Criteria: ACMG Guidelines, 2015. Collection method: clinical testing. Allele origin: germline.
Comment: Null variant in a gene where loss of function (LOF) is a known mechanism of disease.;Absent from controls (or at extremely low frequency if recessive) in Genome Aggregation Database.